The following is an entry in ClinVar:

NM_022124.6(CDH23):c.4781G>A (p.Arg1594His)

Gene: CDH23 (cadherin related 23; plus strand). Cytogenetic location: 10q22.1.
Variant type: single nucleotide variant.
Coding change: c.4781G>A on transcript NM_022124.6 (MANE Select); coding-DNA position 4781, G replaced by A.
Protein change: p.Arg1594His; replaces arginine 1594 with histidine.
Molecular consequence: missense variant.
Genome position (GRCh38, 1-based): chr10:71,741,857, G>A. VCF-style: chr10-71741857-G-A. GRCh37 (hg19) VCF-style: chr10-73501614-G-A.
Other names: c.4781G>A (NM_022124.5); short protein forms R1594H.
Identifiers: ClinVar variation 871055 (VCV000871055.45), dbSNP rs368368136, ClinGen allele CA5545149.

ClinVar aggregate classification (germline): Uncertain significance. Review status: criteria provided, multiple submitters, no conflicts (2 of 4 stars). 5 submissions from 5 submitters: Uncertain significance (4). 1 of the submissions does not count toward it. Last evaluated 2024-10-15.

Conditions:
CDH23-related disorder. Also called: CDH23-related condition; CDH23-related disorders.
Usher syndrome type 1 (USH1). Also called: RETINITIS PIGMENTOSA AND CONGENITAL DEAFNESS. Identifiers: Orphanet 231169, Orphanet 886, MedGen C1568247, MONDO:0010168, OMIM 276900.

Allele frequency attached by ClinVar (database versions not stated): ExAC 0.00001; gnomAD 0.00001; gnomAD exomes 0.00002; TOPMed 0.00002; ESP Exome Variant Server 0.00008.
gnomAD v4.1: 38 of 1,610,922 alleles (0.0024%); highest among the groups gnomAD compares: Middle Eastern, 0.033%; no homozygotes.

Submissions (5):

Labcorp Genetics (formerly Invitae), Labcorp
Classification: Uncertain significance. Last evaluated: 2024-10-15. Review status: criteria provided, single submitter. Criteria: Invitae Variant Classification Sherloc (09022015). Collection method: clinical testing. Allele origin: germline.
Comment: This sequence change replaces arginine, which is basic and polar, with histidine, which is basic and polar, at codon 1594 of the CDH23 protein (p.Arg1594His). This variant is present in population databases (rs368368136, gnomAD 0.006%). This variant has not been reported in the literature in individuals affected with CDH23-related conditions. ClinVar contains an entry for this variant (Variation ID: 871055). Invitae Evidence Modeling of protein sequence and biophysical properties (such as structural, functional, and spatial information, amino acid conservation, physicochemical variation, residue mobility, and thermodynamic stability) has been performed for this missense variant. However, the output from this modeling did not meet the statistical confidence thresholds required to predict the impact of this variant on CDH23 protein function. In summary, the available evidence is currently insufficient to determine the role of this variant in disease. Therefore, it has been classified as a Variant of Uncertain Significance.

Blueprint Genetics
Classification: Uncertain significance. Last evaluated: 2023-05-04. Review status: criteria provided, single submitter. Criteria: ACMG Guidelines, 2015. Collection method: clinical testing. Allele origin: germline.

PreventionGenetics, part of Exact Sciences
Classification: Uncertain significance for CDH23-related condition. Last evaluated: 2022-10-14. Review status: criteria provided, single submitter. Criteria: ACMG Guidelines, 2015. Collection method: clinical testing. Allele origin: germline.
Comment: The CDH23 c.4781G>A variant is predicted to result in the amino acid substitution p.Arg1594His. To our knowledge, this variant has not been reported in the literature. This variant is reported in 0.0057% of alleles in individuals of Latino descent in gnomAD. At this time, the clinical significance of this variant is uncertain due to the absence of conclusive functional and genetic evidence.

CeGaT Center for Human Genetics Tuebingen
Classification: Uncertain significance. Last evaluated: 2019-10-01. Review status: criteria provided, single submitter. Criteria: CeGaT Center For Human Genetics Tuebingen Variant Classification Criteria Version 2. Collection method: clinical testing. Allele origin: germline. Affected: yes. Observed: 1 variant allele.

Natera, Inc.
Classification: Uncertain significance for Usher syndrome type 1. Last evaluated: 2020-04-15. Review status: no assertion criteria provided. Collection method: clinical testing. Allele origin: germline. Not counted in ClinVar's aggregate classification.